The following is an entry in ClinVar:

ClinVar aggregate classification (germline): Likely benign. Review status: criteria provided, multiple submitters, no conflicts (2 of 4 stars). 2 submissions from 2 submitters: Likely benign (2). Last evaluated 2024-02-24.

Conditions:
Early-infantile DEE. Also called: Ohtahara syndrome; Early infantile epileptic encephalopathy; Early infantile epileptic encephalopathy with suppression bursts. Identifiers: Orphanet 1934, MedGen C0393706, MONDO:0800491.

Allele frequency attached by ClinVar (database versions not stated): gnomAD exomes below 0.00001.
gnomAD v4.1: 5 of 1,609,400 alleles (0.00031%); highest among the groups gnomAD compares: Non-Finnish European, 0.00034%; no homozygotes.

Submissions (2):

Labcorp Genetics (formerly Invitae), Labcorp
Classification: Likely benign for Early-infantile DEE. Last evaluated: 2024-02-24. Review status: criteria provided, single submitter. Criteria: Invitae Variant Classification Sherloc (09022015). Collection method: clinical testing. Allele origin: germline.

GeneDx
Classification: Likely benign. Last evaluated: 2016-05-13. Review status: criteria provided, single submitter. Criteria: GeneDx Variant Classification (06012015). Collection method: clinical testing. Allele origin: germline. Affected: yes.
Comment: This variant is considered likely benign or benign based on one or more of the following criteria: it is a conservative change, it occurs at a poorly conserved position in the protein, it is predicted to be benign by multiple in silico algorithms, and/or has population frequency not consistent with disease.

NM_001191061.2(SLC25A22):c.900C>T (p.Gly300=)

Gene: SLC25A22 (solute carrier family 25 member 22; minus strand). Cytogenetic location: 11p15.5.
Variant type: single nucleotide variant.
Coding change: c.900C>T on transcript NM_001191061.2 (MANE Select); coding-DNA position 900, C replaced by T.
Protein change: p.Gly300=; no amino-acid change (glycine 300 retained).
Molecular consequence: synonymous variant.
Genome position (GRCh38, 1-based): chr11:791,987, G>A on the plus strand (C>T on the coding strand, the complement: SLC25A22 is on the minus strand). VCF-style: chr11-791987-G-A. GRCh37 (hg19) VCF-style: chr11-791987-G-A.
Other names: c.900C>T, p.Gly300= (NM_001191060.2, NM_024698.6).
Identifiers: ClinVar variation 386120 (VCV000386120.9), dbSNP rs1057522422, ClinGen allele CA16606039.